The following is an entry in ClinVar:

NM_005732.4(RAD50):c.1451C>T (p.Ala484Val)

Gene: RAD50 (RAD50 double strand break repair protein; plus strand). Cytogenetic location: 5q31.1.
Variant type: single nucleotide variant.
Coding change: c.1451C>T on transcript NM_005732.4 (MANE Select); coding-DNA position 1451, C replaced by T.
Protein change: p.Ala484Val; replaces alanine 484 with valine.
Molecular consequence: missense variant.
Genome position (GRCh38, 1-based): chr5:132,589,836, C>T. VCF-style: chr5-132589836-C-T. GRCh37 (hg19) VCF-style: chr5-131925528-C-T.
Other names: c.1451C>T (NM_005732.3); short protein forms A484V.
Identifiers: ClinVar variation 2820357 (VCV002820357.4), dbSNP rs2479637549, ClinGen allele CA360945019.

ClinVar aggregate classification (germline): Uncertain significance. Review status: criteria provided, multiple submitters, no conflicts (2 of 4 stars). 2 submissions from 2 submitters: Uncertain significance (2). Last evaluated 2025-03-10.

Conditions:
Hereditary cancer-predisposing syndrome. Also called: Neoplastic Syndromes, Hereditary; Tumor predisposition; Hereditary Cancer Syndrome; Hereditary neoplastic syndrome. Identifiers: Orphanet 140162, MedGen C0027672, MeSH D009386, MONDO:0015356.

Submissions (2):

Ambry Genetics
Classification: Uncertain significance for Hereditary cancer-predisposing syndrome. Last evaluated: 2025-03-10. Review status: criteria provided, single submitter. Criteria: Ambry Variant Classification Scheme 2023. Collection method: clinical testing. Allele origin: germline.
Comment: The p.A484V variant (also known as c.1451C>T), located in coding exon 9 of the RAD50 gene, results from a C to T substitution at nucleotide position 1451. The alanine at codon 484 is replaced by valine, an amino acid with similar properties. This amino acid position is conserved. In addition, this alteration is predicted to be tolerated by in silico analysis. Based on the available evidence, the clinical significance of this variant remains unclear.

Labcorp Genetics (formerly Invitae), Labcorp
Classification: Uncertain significance for Hereditary cancer-predisposing syndrome. Last evaluated: 2022-12-12. Review status: criteria provided, single submitter. Criteria: Invitae Variant Classification Sherloc (09022015). Collection method: clinical testing. Allele origin: germline.
Comment: In summary, the available evidence is currently insufficient to determine the role of this variant in disease. Therefore, it has been classified as a Variant of Uncertain Significance. RNA analysis performed to evaluate the impact of this missense change on mRNA splicing indicates it does not significantly alter splicing (Invitae). Algorithms developed to predict the effect of missense changes on protein structure and function (SIFT, PolyPhen-2, Align-GVGD) all suggest that this variant is likely to be tolerated. This variant has not been reported in the literature in individuals affected with RAD50-related conditions. This variant is not present in population databases (gnomAD no frequency). This sequence change replaces alanine, which is neutral and non-polar, with valine, which is neutral and non-polar, at codon 484 of the RAD50 protein (p.Ala484Val).